The following is an entry in ClinVar:

ClinVar aggregate classification (germline): Likely pathogenic (1 of 4 stars; one submission).

Conditions:
Alstrom syndrome (ALMS). Identifiers: Orphanet 64, MedGen C0268425, MONDO:0008763, OMIM 203800.

Submission:

Labcorp Genetics (formerly Invitae), Labcorp
Classification: Likely pathogenic for Alstrom syndrome. Last evaluated: 2025-02-04. Review status: criteria provided, single submitter. Criteria: Invitae Variant Classification Sherloc (09022015). Collection method: clinical testing. Allele origin: germline.
Comment: This sequence change affects an acceptor splice site in intron 9 of the ALMS1 gene. It is expected to disrupt RNA splicing. Variants that disrupt the donor or acceptor splice site typically lead to a loss of protein function (PMID: 16199547), and loss-of-function variants in ALMS1 are known to be pathogenic (PMID: 17594715). This variant is not present in population databases (gnomAD no frequency). This variant has not been reported in the literature in individuals affected with ALMS1-related conditions. Algorithms developed to predict the effect of sequence changes on RNA splicing suggest that this variant may disrupt the consensus splice site. In summary, the currently available evidence indicates that the variant is pathogenic, but additional data are needed to prove that conclusively. Therefore, this variant has been classified as Likely Pathogenic.

Literature cited by the submitters: PubMed 16199547; PubMed 17594715.

NM_001378454.1(ALMS1):c.7675-1G>A

Gene: ALMS1 (ALMS1 centrosome and basal body associated protein; plus strand). Cytogenetic location: 2p13.1.
Variant type: single nucleotide variant.
Coding change: c.7675-1G>A on transcript NM_001378454.1 (MANE Select); the canonical splice acceptor site of the intron before coding-DNA position 7675, G replaced by A.
Molecular consequence: splice acceptor variant.
Genome position (GRCh38, 1-based): chr2:73,489,633, G>A. VCF-style: chr2-73489633-G-A. GRCh37 (hg19) VCF-style: chr2-73716760-G-A.
Other names: c.7675-1G>A (NM_015120.4).
Identifiers: ClinVar variation 4694486 (VCV004694486.1).
Genomic context (GRCh38, chr2:73,489,633, plus strand): 5'-TGATTTGTTTATAACTACTTGGACTACTTCAAATAAGAACCTGTTTGTTTGTATCTTCTA[G>A]GGTTTACAGAGTCCACGGGGAATGGGATGCAAGCCAGAAGCTGTATGTAGTCACATTATT-3'